The following is an entry in ClinVar:

ClinVar aggregate classification (germline): Uncertain significance. Review status: criteria provided, multiple submitters, no conflicts (2 of 4 stars). 2 submissions from 2 submitters: Uncertain significance (2). Last evaluated 2025-11-06.

Conditions:
Inborn genetic diseases. Identifiers: MedGen C0950123, MeSH D030342.

Allele frequency attached by ClinVar (database versions not stated): gnomAD 0.00003; TOPMed 0.00003; ExAC 0.00004; gnomAD exomes 0.00004.
gnomAD v4.1: 47 of 1,613,630 alleles (0.0029%); highest among the groups gnomAD compares: Middle Eastern, 0.068%; 1 homozygote.

Submissions (2):

Labcorp Genetics (formerly Invitae), Labcorp
Classification: Uncertain significance. Last evaluated: 2025-11-06. Review status: criteria provided, single submitter. Criteria: Invitae Variant Classification Sherloc (09022015). Collection method: clinical testing. Allele origin: germline.
Comment: This sequence change replaces proline, which is neutral and non-polar, with serine, which is neutral and polar, at codon 508 of the CSF2RB protein (p.Pro508Ser). This variant is present in population databases (rs770031885, gnomAD 0.02%). This variant has not been reported in the literature in individuals affected with CSF2RB-related conditions. ClinVar contains an entry for this variant (Variation ID: 1481275). Invitae Evidence Modeling of protein sequence and biophysical properties (such as structural, functional, and spatial information, amino acid conservation, physicochemical variation, residue mobility, and thermodynamic stability) indicates that this missense variant is not expected to disrupt CSF2RB protein function with a negative predictive value of 80%. In summary, the available evidence is currently insufficient to determine the role of this variant in disease. Therefore, it has been classified as a Variant of Uncertain Significance.

Ambry Genetics
Classification: Uncertain significance for Inborn genetic diseases. Last evaluated: 2023-06-22. Review status: criteria provided, single submitter. Criteria: Ambry Variant Classification Scheme 2023. Collection method: clinical testing. Allele origin: germline.

NM_000395.3(CSF2RB):c.1522C>T (p.Pro508Ser)

Gene: CSF2RB (colony stimulating factor 2 receptor subunit beta; plus strand). Cytogenetic location: 22q12.3.
Variant type: single nucleotide variant.
Coding change: c.1522C>T on transcript NM_000395.3 (MANE Select); coding-DNA position 1522, C replaced by T.
Protein change: p.Pro508Ser; replaces proline 508 with serine.
Molecular consequence: missense variant.
Genome position (GRCh38, 1-based): chr22:36,936,606, C>T. VCF-style: chr22-36936606-C-T. GRCh37 (hg19) VCF-style: chr22-37332648-C-T.
Other names: c.1522C>T (NM_000395.2); short protein forms P508S.
Identifiers: ClinVar variation 1481275 (VCV001481275.8), dbSNP rs770031885, ClinGen allele CA10213907.